The following is an entry in ClinVar:

NM_012464.5(TLL1):c.1729G>A (p.Glu577Lys)

Gene: TLL1 (tolloid like 1; plus strand). Cytogenetic location: 4q32.3.
Variant type: single nucleotide variant.
Coding change: c.1729G>A on transcript NM_012464.5 (MANE Select); coding-DNA position 1729, G replaced by A.
Protein change: p.Glu577Lys; replaces glutamic acid 577 with lysine.
Molecular consequence: missense variant.
Genome position (GRCh38, 1-based): chr4:166,057,192, G>A. VCF-style: chr4-166057192-G-A. GRCh37 (hg19) VCF-style: chr4-166978344-G-A.
Other names: short protein forms E577K.
Identifiers: ClinVar variation 1806097 (VCV001806097.1), dbSNP rs1171247703, ClinGen allele CA358689272.
Genomic context (GRCh38, chr4:166,057,192, plus strand): 5'-CATACACACATATATATGTATAGTTGTTCTATAACTATGACCATTTTCATAGAGGAAGAT[G>A]AGTGTGCCAAACCTGACCGTGGAGGCTGTGAGCAGCGATGTCTGAACACTCTGGGCAGTT-3'
Protein context (NP_036596.3, residues 567-587): FAANFFKEED[Glu577Lys]CAKPDRGGCE

ClinVar aggregate classification (germline): Uncertain significance (1 of 4 stars; one submission).

Conditions:
Atrial septal defect 6 (ASD6). Identifiers: Orphanet 1478, MedGen C2751315, MONDO:0013123, OMIM 613087.

Allele frequency attached by ClinVar (database versions not stated): gnomAD 0.00001; TOPMed 0.00001.
gnomAD v4.1: 1 of 1,613,708 alleles (0.000062%); highest among the groups gnomAD compares: Admixed American, 0.0017%; no homozygotes.

Submission:

Victorian Clinical Genetics Services, Murdoch Childrens Research Institute
Classification: Uncertain significance for Atrial septal defect 6. Last evaluated: 2020-10-19. Review status: criteria provided, single submitter. Criteria: ACMG Guidelines, 2015. Collection method: clinical testing. Allele origin: germline. Inheritance: Autosomal dominant inheritance. Affected: yes.
Comment: Based on the classification scheme VCGS_Germline_v1.1.1, this variant is classified as a 3B-VUS. Following criteria are met: 0105 - The mechanism of disease for this gene is not clearly established. (N) 0107 - This gene is known to be associated with autosomal dominant disease. (N) 0200 - Variant is predicted to result in a missense amino acid change from glutamic acid to lysine, exon 14. (N) 0251 - Variant is heterozygous. (N) 0301 - Variant is absent from gnomAD. (P) 0309 - An alternative amino acid change at the same position has been observed in gnomAD: p.(Glu577Gln): 0.0004%, 1 Het. (N) 0501 - Missense variant consistently predicted to be damaging by multiple in silico tools or highly conserved with a major amino acid change. 4/4 in silico analyses. Very highly conserved. Minor change (Grantham score = 54). (P) 0600 - Variant is located in an annotated domain or motif: EGF-like 1, calcium binding domain (UniProt and RCSB-PDB). However, not in a domain according to some other sources (NCBI_Conserved domains and DECIPHER). (N) 0705 - No comparable variants have previous evidence for pathogenicity. Note: very few variants in this gene have been reported as pathogenic. (N) 0807 - Variant has not previously been reported in a clinical context. (N) 0905 - No segregation evidence has been identified for this variant. (N) 1007 - No published functional evidence has been identified for this variant. (N) 1208 - Inheritance information for this variant is not currently available. (N) Legend: (P) - Pathogenic, (N) - Neutral, (B) - Benign